The following is an entry in ClinVar:

ClinVar aggregate classification (germline): Uncertain significance (1 of 4 stars; one submission).

gnomAD v4.1: 5 of 1,614,062 alleles (0.00031%); highest among the groups gnomAD compares: Middle Eastern, 0.016%; no homozygotes.

Submission:

Ambry Genetics
Classification: Uncertain significance. Last evaluated: 2026-09-09. Review status: criteria provided, single submitter. Criteria: Ambry Variant Classification Scheme 2023. Collection method: clinical testing. Allele origin: germline.
Comment: The c.184G>A (p.E62K) alteration is located in exon 3 (coding exon 2) of the THBS1 gene. This alteration results from a G to A substitution at nucleotide position 184, causing the glutamic acid (E) at amino acid position 62 to be replaced by a lysine (K). Based on data from gnomAD, the A allele has an overall frequency of 0.001% (2/282850) total alleles studied. The highest observed frequency was 0.003% (1/35436) of Latino alleles. Based on insufficient or conflicting evidence, the clinical significance of this alteration remains unclear.

NM_003246.4(THBS1):c.184G>A (p.Glu62Lys)

Gene: THBS1 (thrombospondin 1; plus strand). Cytogenetic location: 15q14.
Variant type: single nucleotide variant.
Coding change: c.184G>A on transcript NM_003246.4 (MANE Select); coding-DNA position 184, G replaced by A.
Protein change: p.Glu62Lys; replaces glutamic acid 62 with lysine.
Molecular consequence: missense variant.
Genome position (GRCh38, 1-based): chr15:39,582,309, G>A. VCF-style: chr15-39582309-G-A. GRCh37 (hg19) VCF-style: chr15-39874510-G-A.
Other names: short protein forms E62K.
Identifiers: ClinVar variation 5030847 (VCV005030847.1).